The following is an entry in ClinVar:

ClinVar aggregate classification (germline): Pathogenic/Likely pathogenic. Review status: criteria provided, multiple submitters, no conflicts (2 of 4 stars). 3 submissions from 3 submitters: Pathogenic (2); Likely pathogenic (1). Last evaluated 2025-09-30.

Conditions:
Ataxia-telangiectasia syndrome (AT). Also called: LOUIS-BAR SYNDROME; Cerebello-oculocutaneous telangiectasia; Immunodeficiency with ataxia telangiectasia; Ataxia-telangiectasia, complementation group E; Ataxia-telangiectasia, complementation group D; AT, COMPLEMENTATION GROUP C. Identifiers: Orphanet 100, MedGen C0004135, MONDO:0008840, OMIM 208900.
Hereditary cancer-predisposing syndrome. Also called: Hereditary Cancer Syndrome; Hereditary neoplastic syndrome; Neoplastic Syndromes, Hereditary; Tumor predisposition. Identifiers: Orphanet 140162, MedGen C0027672, MeSH D009386, MONDO:0015356.

Submissions (3):

Labcorp Genetics (formerly Invitae), Labcorp
Classification: Pathogenic for Ataxia-telangiectasia syndrome. Last evaluated: 2025-09-30. Review status: criteria provided, single submitter. Criteria: Invitae Variant Classification Sherloc (09022015). Collection method: clinical testing. Allele origin: germline.
Comment: This sequence change creates a premature translational stop signal (p.Leu2312Serfs*61) in the ATM gene. It is expected to result in an absent or disrupted protein product. Loss-of-function variants in ATM are known to be pathogenic (PMID: 23807571, 25614872). This variant is not present in population databases (gnomAD no frequency). This premature translational stop signal has been observed in individual(s) with glioma (PMID: 26580448). ClinVar contains an entry for this variant (Variation ID: 2503300). For these reasons, this variant has been classified as Pathogenic.

Ambry Genetics
Classification: Pathogenic for Hereditary cancer-predisposing syndrome. Last evaluated: 2024-12-26. Review status: criteria provided, single submitter. Criteria: Ambry Variant Classification Scheme 2023. Collection method: clinical testing. Allele origin: germline.
Comment: The c.6933dupT pathogenic mutation, located in coding exon 46 of the ATM gene, results from a duplication of T at nucleotide position 6933, causing a translational frameshift with a predicted alternate stop codon (p.L2312Sfs*61). This variant is considered to be rare based on population cohorts in the Genome Aggregation Database (gnomAD). This alteration is expected to result in loss of function by premature protein truncation or nonsense-mediated mRNA decay. As such, this alteration is interpreted as a disease-causing mutation.

GeneDx
Classification: Likely pathogenic. Last evaluated: 2022-11-23. Review status: criteria provided, single submitter. Criteria: GeneDx Variant Classification Process June 2021. Collection method: clinical testing. Allele origin: germline. Affected: yes.
Comment: Frameshift variant predicted to result in protein truncation or nonsense mediated decay in a gene for which loss of function is a known mechanism of disease; Not observed at significant frequency in large population cohorts (gnomAD); This variant is associated with the following publications: (PMID: 26580448)

Literature cited by the submitters: PubMed 23807571 (cited by Labcorp Genetics (formerly Invitae), Labcorp); PubMed 25614872 (cited by Labcorp Genetics (formerly Invitae), Labcorp); PubMed 26580448 (cited by Labcorp Genetics (formerly Invitae), Labcorp).

NM_000051.4(ATM):c.6933dup (p.Leu2312fs)

Genes: ATM (ATM serine/threonine kinase; plus strand), C11orf65 (chromosome 11 open reading frame 65; minus strand). Cytogenetic location: 11q22.3.
Variant type: Duplication.
Coding change: c.6933dup on transcript NM_000051.4 (MANE Select); coding-DNA position 6933, one base duplicated (T; older notation c.6933dupT).
Protein change: p.Leu2312fs; shifts the reading frame from leucine 2312.
Molecular consequence: frameshift variant. On other transcripts: intron variant (2).
Genome position (GRCh38, 1-based): chr11:108,326,183, T duplicated; the last of 2 consecutive T bases (chr11:108,326,182-108,326,183); duplicating either gives the same sequence. VCF-style (leftmost placement, unchanged base first): chr11-108326181-A-AT. GRCh37 (hg19) VCF-style: chr11-108196908-A-AT.
Other names: c.6933dup, p.Leu2312fs (NM_001351834.2); c.641-17111dup (NM_001330368.2); c.*38+9038dup (NM_001351110.2); c.6933dupT (NM_000051.3); short protein forms L2312fs.
Identifiers: ClinVar variation 2503300 (VCV002503300.5), dbSNP rs2547218291, ClinGen allele CA2580615059.